The following is an entry in ClinVar:

ClinVar aggregate classification (germline): Uncertain significance. Review status: criteria provided, multiple submitters, no conflicts (2 of 4 stars). 2 submissions from 2 submitters: Uncertain significance (2). Last evaluated 2023-10-17.

Conditions:
Ectodermal dysplasia and immunodeficiency 2. Identifiers: Orphanet 238468, Orphanet 98813, MedGen C2677481, MONDO:0012806, OMIM 612132.

Allele frequency attached by ClinVar (database versions not stated): ExAC 0.00001.
gnomAD v4.1: 20 of 1,614,176 alleles (0.0012%); highest among the groups gnomAD compares: South Asian, 0.0066%; no homozygotes.

Submissions (2):

Labcorp Genetics (formerly Invitae), Labcorp
Classification: Uncertain significance for Ectodermal dysplasia and immunodeficiency 2. Last evaluated: 2023-10-17. Review status: criteria provided, single submitter. Criteria: Invitae Variant Classification Sherloc (09022015). Collection method: clinical testing. Allele origin: germline.
Comment: This sequence change replaces tyrosine, which is neutral and polar, with cysteine, which is neutral and slightly polar, at codon 195 of the NFKBIA protein (p.Tyr195Cys). This variant is present in population databases (rs780815318, gnomAD 0.01%). This variant has not been reported in the literature in individuals affected with NFKBIA-related conditions. An algorithm developed to predict the effect of missense changes on protein structure and function (PolyPhen-2) suggests that this variant is likely to be disruptive. In summary, the available evidence is currently insufficient to determine the role of this variant in disease. Therefore, it has been classified as a Variant of Uncertain Significance.

Revvity Omics, Revvity
Classification: Uncertain significance for Ectodermal dysplasia and immunodeficiency 2. Last evaluated: 2023-07-05. Review status: criteria provided, single submitter. Criteria: ACMG Guidelines, 2015. Collection method: clinical testing. Allele origin: germline.

NM_020529.3(NFKBIA):c.584A>G (p.Tyr195Cys)

Gene: NFKBIA (NFKB inhibitor alpha; minus strand). Cytogenetic location: 14q13.2.
Variant type: single nucleotide variant.
Coding change: c.584A>G on transcript NM_020529.3 (MANE Select); coding-DNA position 584, A replaced by G.
Protein change: p.Tyr195Cys; replaces tyrosine 195 with cysteine.
Molecular consequence: missense variant.
Genome position (GRCh38, 1-based): chr14:35,402,823, T>C on the plus strand (A>G on the coding strand, the complement: NFKBIA is on the minus strand). VCF-style: chr14-35402823-T-C. GRCh37 (hg19) VCF-style: chr14-35872029-T-C.
Other names: short protein forms Y195C.
Identifiers: ClinVar variation 2689579 (VCV002689579.5), dbSNP rs780815318, ClinGen allele CA7155410.